The following is an entry in ClinVar:

NM_032119.4(ADGRV1):c.17512G>A (p.Val5838Ile)

Gene: ADGRV1 (adhesion G protein-coupled receptor V1; plus strand). Cytogenetic location: 5q14.3.
Variant type: single nucleotide variant.
Coding change: c.17512G>A on transcript NM_032119.4 (MANE Select); coding-DNA position 17512, G replaced by A.
Protein change: p.Val5838Ile; replaces valine 5838 with isoleucine.
Molecular consequence: missense variant. On other transcripts: non-coding transcript variant (1).
Genome position (GRCh38, 1-based): chr5:90,854,119, G>A. VCF-style: chr5-90854119-G-A. GRCh37 (hg19) VCF-style: chr5-90149936-G-A.
Other names: short protein forms V5838I.
Identifiers: ClinVar variation 179508 (VCV000179508.13), dbSNP rs727504913, ClinGen allele CA184561.

ClinVar aggregate classification (germline): Conflicting classifications of pathogenicity. Review status: criteria provided, conflicting classifications (1 of 4 stars). 2 submissions from 2 submitters: Uncertain significance (1); Likely benign (1). Last evaluated 2024-02-23.

Allele frequency attached by ClinVar (database versions not stated): ExAC below 0.00001; gnomAD 0.00001.
gnomAD v4.1: 3 of 1,579,146 alleles (0.00019%); highest among the groups gnomAD compares: East Asian, 0.0023%; no homozygotes.

Submissions (2):

Labcorp Genetics (formerly Invitae), Labcorp
Classification: Uncertain significance. Last evaluated: 2024-02-23. Review status: criteria provided, single submitter. Criteria: Invitae Variant Classification Sherloc (09022015). Collection method: clinical testing. Allele origin: germline.
Comment: This sequence change replaces valine, which is neutral and non-polar, with isoleucine, which is neutral and non-polar, at codon 5838 of the ADGRV1 protein (p.Val5838Ile). This variant is present in population databases (rs727504913, gnomAD 0.001%). This variant has not been reported in the literature in individuals affected with ADGRV1-related conditions. ClinVar contains an entry for this variant (Variation ID: 179508). Advanced modeling of protein sequence and biophysical properties (such as structural, functional, and spatial information, amino acid conservation, physicochemical variation, residue mobility, and thermodynamic stability) performed at Invitae indicates that this missense variant is not expected to disrupt ADGRV1 protein function with a negative predictive value of 95%. In summary, the available evidence is currently insufficient to determine the role of this variant in disease. Therefore, it has been classified as a Variant of Uncertain Significance.

Laboratory for Molecular Medicine, Mass General Brigham Personalized Medicine
Classification: Likely benign. Last evaluated: 2014-01-28. Review status: criteria provided, single submitter. Criteria: LMM Criteria. Collection method: clinical testing. Allele origin: germline. Observed: 1 variant allele.
Comment: Val5838Ile in exon 81 of GPR98: This variant is not expected to have clinical si gnificance because the valine (Val) residue at position 5838 is not conserved ac ross species with several mammals (including primates) having an isoleucine (Ile ).